The following is an entry in ClinVar:

ClinVar aggregate classification (germline): Pathogenic (1 of 4 stars; one submission).

Conditions:
Thrombophilia due to protein S deficiency, autosomal recessive (THPH6). Identifiers: Orphanet 743, MedGen C3281092, MONDO:0013791, OMIM 614514. Disease mechanism: loss of function.

Submission:

Labcorp Genetics (formerly Invitae), Labcorp
Classification: Pathogenic for Thrombophilia due to protein S deficiency, autosomal recessive. Last evaluated: 2019-07-09. Review status: criteria provided, single submitter. Criteria: Invitae Variant Classification Sherloc (09022015). Collection method: clinical testing. Allele origin: germline.
Comment: This sequence change creates a premature translational stop signal (p.Ser194*) in the PROS1 gene. It is expected to result in an absent or disrupted protein product. This variant is not present in population databases (ExAC no frequency). This variant has not been reported in the literature in individuals with PROS1-related conditions. Loss-of-function variants in PROS1 are known to be pathogenic (PMID: 9241758). For these reasons, this variant has been classified as Pathogenic.

Literature cited by the submitters: PubMed 9241758.

NM_000313.4(PROS1):c.581C>A (p.Ser194Ter)

Gene: PROS1 (protein S; minus strand). Cytogenetic location: 3q11.1.
Variant type: single nucleotide variant.
Coding change: c.581C>A on transcript NM_000313.4 (MANE Select); coding-DNA position 581, C replaced by A.
Protein change: p.Ser194Ter; replaces serine 194 with a stop codon.
Molecular consequence: nonsense.
Genome position (GRCh38, 1-based): chr3:93,905,804, G>T on the plus strand (C>A on the coding strand, the complement: PROS1 is on the minus strand). VCF-style: chr3-93905804-G-T. GRCh37 (hg19) VCF-style: chr3-93624648-G-T.
Other names: c.677C>A, p.Ser226Ter (NM_001314077.2); short protein forms S194*, S226*.
Identifiers: ClinVar variation 959936 (VCV000959936.6), dbSNP rs1708666412, ClinGen allele CA353673410.